The following is an entry in ClinVar:

NM_017849.4(TMEM127):c.384C>T (p.Arg128=)

Gene: TMEM127 (transmembrane protein 127; minus strand). Cytogenetic location: 2q11.2.
Variant type: single nucleotide variant.
Coding change: c.384C>T on transcript NM_017849.4 (MANE Select); coding-DNA position 384, C replaced by T.
Protein change: p.Arg128=; no amino-acid change (arginine 128 retained).
Molecular consequence: synonymous variant.
Genome position (GRCh38, 1-based): chr2:96,254,858, G>A on the plus strand (C>T on the coding strand, the complement: TMEM127 is on the minus strand). VCF-style: chr2-96254858-G-A. GRCh37 (hg19) VCF-style: chr2-96920596-G-A.
Other names: c.384C>T, p.Arg128= (NM_001193304.3).
Identifiers: ClinVar variation 486535 (VCV000486535.19), dbSNP rs755188175, ClinGen allele CA1777337.

ClinVar aggregate classification (germline): Benign/Likely benign. Review status: criteria provided, multiple submitters, no conflicts (2 of 4 stars). 4 submissions from 4 submitters: Benign (1); Likely benign (3). Last evaluated 2026-07-30.

Conditions:
Hereditary cancer-predisposing syndrome. Also called: Tumor predisposition; Neoplastic Syndromes, Hereditary; Hereditary Cancer Syndrome; Hereditary neoplastic syndrome. Identifiers: Orphanet 140162, MedGen C0027672, MeSH D009386, MONDO:0015356.
Hereditary pheochromocytoma and paraganglioma. Also called: Hereditary paragangliomas and pheochromocytomas; Hereditary Paraganglioma-Pheochromocytoma Syndromes; Hereditary pheochromocytoma-paraganglioma. Identifiers: Orphanet 29072, MedGen C4274332, MONDO:0017366.

Allele frequency attached by ClinVar (database versions not stated): gnomAD exomes 0.00001 and below 0.00001; TOPMed 0.00001; ExAC 0.00002; gnomAD 0.00001.
gnomAD v4.1: 6 of 1,614,004 alleles (0.00037%); highest among the groups gnomAD compares: Middle Eastern, 0.016%; no homozygotes.

Submissions (4):

Myriad Genetics, Inc.
Classification: Benign for Hereditary pheochromocytoma and paraganglioma. Last evaluated: 2026-07-30. Review status: criteria provided, single submitter. Criteria: Myriad Autosomal Dominant, Autosomal Recessive and X-Linked Classification Criteria (2023). Collection method: clinical testing. Allele origin: unknown.
Comment: This variant is considered benign. This variant is a silent/synonymous amino acid change and it is not expected to impact splicing.

Labcorp Genetics (formerly Invitae), Labcorp
Classification: Likely benign for Hereditary pheochromocytoma and paraganglioma. Last evaluated: 2026-01-19. Review status: criteria provided, single submitter. Criteria: Invitae Variant Classification Sherloc (09022015). Collection method: clinical testing. Allele origin: germline.

Blueprint Genetics
Classification: Likely benign. Last evaluated: 2023-01-27. Review status: criteria provided, single submitter. Criteria: ACMG Guidelines, 2015. Collection method: clinical testing. Allele origin: germline.

Ambry Genetics
Classification: Likely benign for Hereditary cancer-predisposing syndrome. Last evaluated: 2016-11-16. Review status: criteria provided, single submitter. Criteria: Ambry Variant Classification Scheme 2023. Collection method: clinical testing. Allele origin: germline.